The following is an entry in ClinVar:

NM_006231.4(POLE):c.2960C>A (p.Ser987Tyr)

Gene: POLE (DNA polymerase epsilon, catalytic subunit; minus strand). Cytogenetic location: 12q24.33.
Variant type: single nucleotide variant.
Coding change: c.2960C>A on transcript NM_006231.4 (MANE Select); coding-DNA position 2960, C replaced by A.
Protein change: p.Ser987Tyr; replaces serine 987 with tyrosine.
Molecular consequence: missense variant.
Genome position (GRCh38, 1-based): chr12:132,661,069, G>T on the plus strand (C>A on the coding strand, the complement: POLE is on the minus strand). VCF-style: chr12-132661069-G-T. GRCh37 (hg19) VCF-style: chr12-133237655-G-T.
Other names: short protein forms S987Y.
Identifiers: ClinVar variation 647399 (VCV000647399.8), dbSNP rs1593776064, ClinGen allele CA387392483.

ClinVar aggregate classification (germline): Uncertain significance (1 of 4 stars; one submission).

Submission:

Labcorp Genetics (formerly Invitae), Labcorp
Classification: Uncertain significance. Last evaluated: 2018-12-15. Review status: criteria provided, single submitter. Criteria: Invitae Variant Classification Sherloc (09022015). Collection method: clinical testing. Allele origin: germline.
Comment: In summary, the available evidence is currently insufficient to determine the role of this variant in disease. Therefore, it has been classified as a Variant of Uncertain Significance. Algorithms developed to predict the effect of missense changes on protein structure and function (SIFT, PolyPhen-2, Align-GVGD) all suggest that this variant is likely to be disruptive, but these predictions have not been confirmed by published functional studies and their clinical significance is uncertain. This variant has not been reported in the literature in individuals with POLE-related conditions. This variant is not present in population databases (ExAC no frequency). This sequence change replaces serine with tyrosine at codon 987 of the POLE protein (p.Ser987Tyr). The serine residue is highly conserved and there is a large physicochemical difference between serine and tyrosine.